The following is an entry in ClinVar:

NM_001330360.2(POLA1):c.77G>A (p.Arg26Gln)

Gene: POLA1 (DNA polymerase alpha 1, catalytic subunit; plus strand). Cytogenetic location: Xp22.11.
Variant type: single nucleotide variant.
Coding change: c.77G>A on transcript NM_001330360.2 (MANE Select); coding-DNA position 77, G replaced by A.
Protein change: p.Arg26Gln; replaces arginine 26 with glutamine.
Molecular consequence: missense variant. On other transcripts: non-coding transcript variant (2).
Genome position (GRCh38, 1-based): chrX:24,699,458, G>A. VCF-style: chrX-24699458-G-A. GRCh37 (hg19) VCF-style: chrX-24717575-G-A.
Other names: c.77G>A, p.Arg26Gln (NM_001378303.1); c.59G>A, p.Arg20Gln (NM_016937.4); short protein forms R26Q, R20Q.
Identifiers: ClinVar variation 1954701 (VCV001954701.5), dbSNP rs747434011, ClinGen allele CA10372705.
Genomic context (GRCh38, chrX:24,699,458, plus strand): 5'-TGTTGTAAATTTTTTTTCTTTTTTCAGCTCTGTCAGATTCAGGGAGTTTTGTATCTTCTC[G>A]AGCCCGGCGAGAAAAAAAATCAAAGAAGGGGCGCCAAGAAGCCCTAGAAAGACTGAAAAA-3'
Protein context (NP_001317289.1, residues 16-36): LSDSGSFVSS[Arg26Gln]ARREKKSKKG

ClinVar aggregate classification (germline): Uncertain significance (1 of 4 stars; one submission).

Allele frequency attached by ClinVar (database versions not stated): gnomAD exomes below 0.00001; ExAC 0.00002.
gnomAD v4.1: 5 of 1,177,555 alleles (0.00042%); highest among the groups gnomAD compares: South Asian, 0.002%; no homozygotes.

Submission:

Labcorp Genetics (formerly Invitae), Labcorp
Classification: Uncertain significance. Last evaluated: 2022-06-11. Review status: criteria provided, single submitter. Criteria: Invitae Variant Classification Sherloc (09022015). Collection method: clinical testing. Allele origin: germline.
Comment: Algorithms developed to predict the effect of missense changes on protein structure and function are either unavailable or do not agree on the potential impact of this missense change (SIFT: "Deleterious"; PolyPhen-2: "Probably Damaging"; Align-GVGD: "Class C0"). In summary, the available evidence is currently insufficient to determine the role of this variant in disease. Therefore, it has been classified as a Variant of Uncertain Significance. This variant has not been reported in the literature in individuals affected with POLA1-related conditions. The frequency data for this variant in the population databases is considered unreliable, as metrics indicate poor data quality at this position in the gnomAD database. This sequence change replaces arginine, which is basic and polar, with glutamine, which is neutral and polar, at codon 20 of the POLA1 protein (p.Arg20Gln).